The following is an entry in ClinVar:

NM_000038.6(APC):c.124T>G (p.Ser42Ala)

Gene: APC (APC regulator of Wnt signaling pathway; plus strand). Cytogenetic location: 5q22.2.
Variant type: single nucleotide variant.
Coding change: c.124T>G on transcript NM_000038.6 (MANE Select); coding-DNA position 124, T replaced by G.
Protein change: p.Ser42Ala; replaces serine 42 with alanine.
Molecular consequence: missense variant. On other transcripts: 5 prime UTR variant (1), intron variant (8).
Genome position (GRCh38, 1-based): chr5:112,755,014, T>G. VCF-style: chr5-112755014-T-G. GRCh37 (hg19) VCF-style: chr5-112090711-T-G.
Other names: c.124T>G, p.Ser42Ala (NM_001127510.3, NM_001354895.2, NM_001354896.2 and 2 more transcripts); c.-912T>G (NM_001354906.2); c.166-11312T>G (NM_001354897.2, NM_001354902.2, NM_001127511.3); c.61-11312T>G (NM_001354898.2, NM_001354904.2); c.-42-11312T>G (NM_001354900.2, NM_001354901.2, NM_001354905.2); short protein forms S42A.
Identifiers: ClinVar variation 862175 (VCV000862175.14), dbSNP rs1754803343, ClinGen allele CA16021614.

ClinVar aggregate classification (germline): Uncertain significance. Review status: criteria provided, multiple submitters, no conflicts (2 of 4 stars). 3 submissions from 3 submitters: Uncertain significance (3). Last evaluated 2025-12-04.

Conditions:
Familial adenomatous polyposis 1 (FAP1). Also called: POLYPOSIS, ADENOMATOUS INTESTINAL; FAMILIAL ADENOMATOUS POLYPOSIS 1, ATTENUATED. Identifiers: MedGen C2713442, MONDO:0021056, OMIM 175100. Disease mechanism: loss of function.
Hereditary cancer-predisposing syndrome. Also called: Tumor predisposition; Hereditary neoplastic syndrome; Neoplastic Syndromes, Hereditary; Hereditary Cancer Syndrome. Identifiers: Orphanet 140162, MedGen C0027672, MeSH D009386, MONDO:0015356.

Allele frequency attached by ClinVar (database versions not stated): gnomAD exomes below 0.00001.
gnomAD v4.1: 2 of 1,613,666 alleles (0.00012%); highest among the groups gnomAD compares: Non-Finnish European, 0.00017%; no homozygotes.

Submissions (3):

Ambry Genetics
Classification: Uncertain significance for Hereditary cancer-predisposing syndrome. Last evaluated: 2025-12-04. Review status: criteria provided, single submitter. Criteria: Ambry Variant Classification Scheme 2023. Collection method: clinical testing. Allele origin: germline.
Comment: The p.S42A variant (also known as c.124T>G), located in coding exon 1 of the APC gene, results from a T to G substitution at nucleotide position 124. The serine at codon 42 is replaced by alanine, an amino acid with similar properties. This amino acid position is highly conserved in available vertebrate species. In addition, in silico predictors for this gene do not accurately predict pathogenicity. Missense variants in APC are not a common cause of disease (Spier I et al. Genet Med. 2024 Feb;26(2):100992). Since supporting evidence is limited at this time, the clinical significance of this alteration remains unclear.

Labcorp Genetics (formerly Invitae), Labcorp
Classification: Uncertain significance for Familial adenomatous polyposis 1. Last evaluated: 2025-09-15. Review status: criteria provided, single submitter. Criteria: Invitae Variant Classification Sherloc (09022015). Collection method: clinical testing. Allele origin: germline.
Comment: This sequence change replaces serine, which is neutral and polar, with alanine, which is neutral and non-polar, at codon 42 of the APC protein (p.Ser42Ala). This variant is not present in population databases (gnomAD no frequency). This variant has not been reported in the literature in individuals affected with APC-related conditions. ClinVar contains an entry for this variant (Variation ID: 862175). Invitae Evidence Modeling of protein sequence and biophysical properties (such as structural, functional, and spatial information, amino acid conservation, physicochemical variation, residue mobility, and thermodynamic stability) indicates that this missense variant is not expected to disrupt APC protein function with a negative predictive value of 95%. In summary, the available evidence is currently insufficient to determine the role of this variant in disease. Therefore, it has been classified as a Variant of Uncertain Significance.

Color Diagnostics, LLC DBA Color Health
Classification: Uncertain significance for Hereditary cancer-predisposing syndrome. Last evaluated: 2021-07-16. Review status: criteria provided, single submitter. Criteria: ACMG Guidelines, 2015. Collection method: clinical testing. Allele origin: germline.
Comment: This missense variant replaces serine with alanine at codon 42 of the APC protein. Computational prediction suggests that this variant may not impact protein structure and function (internally defined REVEL score threshold <= 0.5, PMID: 27666373). To our knowledge, functional studies have not been reported for this variant. This variant has not been reported in individuals affected with hereditary cancer in the literature. This variant has not been identified in the general population by the Genome Aggregation Database (gnomAD). The available evidence is insufficient to determine the role of this variant in disease conclusively. Therefore, this variant is classified as a Variant of Uncertain Significance.